The following is an entry in ClinVar:

NM_002693.3(POLG):c.2263A>C (p.Lys755Gln)

Gene: POLG (DNA polymerase gamma, catalytic subunit; minus strand). Cytogenetic location: 15q26.1.
Variant type: single nucleotide variant.
Coding change: c.2263A>C on transcript NM_002693.3 (MANE Select); coding-DNA position 2263, A replaced by C.
Protein change: p.Lys755Gln; replaces lysine 755 with glutamine.
Molecular consequence: missense variant.
Genome position (GRCh38, 1-based): chr15:89,323,406, T>G on the plus strand (A>C on the coding strand, the complement: POLG is on the minus strand). VCF-style: chr15-89323406-T-G. GRCh37 (hg19) VCF-style: chr15-89866637-T-G.
Other names: c.2263A>C, p.Lys755Gln (NM_001126131.2); short protein forms K755Q.
Identifiers: ClinVar variation 2577374 (VCV002577374.1), dbSNP rs1213000733, ClinGen allele CA393756628.

ClinVar aggregate classification (germline): Uncertain significance (1 of 4 stars; one submission).

gnomAD v4.1: 1 of 1,604,250 alleles (0.000062%); highest among the groups gnomAD compares: Non-Finnish European, 0.000085%; no homozygotes.

Submission:

Women's Health and Genetics/Laboratory Corporation of America, LabCorp
Classification: Uncertain significance. Last evaluated: 2023-07-12. Review status: criteria provided, single submitter. Criteria: LabCorp Variant Classification Summary - May 2015. Collection method: clinical testing. Allele origin: germline.
Comment: Variant summary: POLG c.2263A>C (p.Lys755Gln) results in a conservative amino acid change in the encoded protein sequence. Four of five in-silico tools predict a damaging effect of the variant on protein function. 4/4 computational tools predict no significant impact on normal splicing. However, these predictions have yet to be confirmed by functional studies. The variant was absent in 251064 control chromosomes (gnomAD). The available data on variant occurrences in the general population are insufficient to allow any conclusion about variant significance. c.2263A>C has been reported in the literature in at least one individual affected with POLG Related Disease (Davis_2022). These data do not allow any conclusion about variant significance. To our knowledge, no experimental evidence demonstrating an impact on protein function has been reported. The following publication has been ascertained in the context of this evaluation (PMID: 35641312). No submitters have cited clinical-significance assessments for this variant to ClinVar after 2014. Based on the evidence outlined above, the variant was classified as uncertain significance.

Literature cited by the submitters: PubMed 35641312.